The following is an entry in ClinVar:

ClinVar aggregate classification (germline): Uncertain significance (1 of 4 stars; one submission).

Conditions:
Hereditary cancer-predisposing syndrome. Also called: Neoplastic Syndromes, Hereditary; Tumor predisposition; Hereditary Cancer Syndrome; Hereditary neoplastic syndrome. Identifiers: Orphanet 140162, MedGen C0027672, MeSH D009386, MONDO:0015356.

gnomAD v4.1: 1 of 1,502,296 alleles (0.000067%); highest among the groups gnomAD compares: Non-Finnish European, 0.000088%; no homozygotes.

Submission:

Ambry Genetics
Classification: Uncertain significance for Hereditary cancer-predisposing syndrome. Last evaluated: 2025-10-09. Review status: criteria provided, single submitter. Criteria: Ambry Variant Classification Scheme 2023. Collection method: clinical testing. Allele origin: germline.
Comment: The p.G225R variant (also known as c.673G>A), located in coding exon 3 of the PHOX2B gene, results from a G to A substitution at nucleotide position 673. The glycine at codon 225 is replaced by arginine, an amino acid with dissimilar properties. This amino acid position is conserved. In addition, the in silico prediction for this alteration is inconclusive. Based on the available evidence, the clinical significance of this variant remains unclear.

NM_003924.4(PHOX2B):c.673G>A (p.Gly225Arg)

Gene: PHOX2B (paired like homeobox 2B; minus strand). Cytogenetic location: 4p13.
Variant type: single nucleotide variant.
Coding change: c.673G>A on transcript NM_003924.4 (MANE Select); coding-DNA position 673, G replaced by A.
Protein change: p.Gly225Arg; replaces glycine 225 with arginine.
Molecular consequence: missense variant.
Genome position (GRCh38, 1-based): chr4:41,746,079, C>T on the plus strand (G>A on the coding strand, the complement: PHOX2B is on the minus strand). VCF-style: chr4-41746079-C-T. GRCh37 (hg19) VCF-style: chr4-41748096-C-T.
Other names: short protein forms G225R.
Identifiers: ClinVar variation 4665944 (VCV004665944.1).
Genomic context (GRCh38, chr4:41,746,079, plus strand): 5'-CCGCTGCTGCTGCGCCGCCCTTGCCGGGTTCGCCTCCCGGGCCCCCGGGCCCCGCCGCCC[C>T]CGGAGCTCCAGCCGGGCTGGGCCCGCCGCCGCCGCCTCCATTCGCCCCGCAGCTGGGGGT-3'
Protein context (NP_003915.2, residues 215-235): GGGPSPAGAP[Gly225Arg]AAGPGGPGGE